The following is an entry in ClinVar:

NM_000179.3(MSH6):c.2197del (p.Met733fs)

Gene: MSH6 (mutS homolog 6; plus strand). Cytogenetic location: 2p16.3.
Variant type: Deletion.
Coding change: c.2197del on transcript NM_000179.3 (MANE Select); coding-DNA position 2197, one base deleted (A; older notation c.2197delA).
Protein change: p.Met733fs; shifts the reading frame from methionine 733.
Molecular consequence: frameshift variant.
Genome position (GRCh38, 1-based): chr2:47,800,180, A deleted; the last of 2 consecutive A bases (chr2:47,800,179-47,800,180); deleting either gives the same sequence. VCF-style (leftmost placement, unchanged base first): chr2-47800178-GA-G. GRCh37 (hg19) VCF-style: chr2-48027317-GA-G.
Other names: c.1807del, p.Met603fs (NM_001281492.2); c.1291del, p.Met431fs (NM_001281493.2, NM_001281494.2); c.2293delA, p.Met765Trpfs (NM_001406795.1, NM_001406802.1); c.2197delA, p.Met733Trpfs (NM_001406796.1, NM_001406798.1, NM_001406800.1 and 3 more transcripts); c.1900delA, p.Met634Trpfs (NM_001406797.1, NM_001406801.1, NM_001406805.1 and 10 more transcripts); c.1672delA, p.Met558Trpfs (NM_001406799.1, NM_001406806.1, NM_001406807.1); c.2119delA, p.Met707Trpfs (NM_001406804.1); c.1291delA, p.Met431Trpfs (NM_001406811.1, NM_001406812.1, NM_001406814.1 and 4 more transcripts); and 2 more; short protein forms M603fs, M431fs, M733fs.
Identifiers: ClinVar variation 1787504 (VCV001787504.2), dbSNP rs2530656767, ClinGen allele CA2580067793.

ClinVar aggregate classification (germline): Pathogenic (1 of 4 stars; one submission).

Conditions:
Hereditary cancer-predisposing syndrome. Also called: Neoplastic Syndromes, Hereditary; Tumor predisposition; Hereditary Cancer Syndrome; Hereditary neoplastic syndrome. Identifiers: Orphanet 140162, MedGen C0027672, MeSH D009386, MONDO:0015356.

Submission:

Ambry Genetics
Classification: Pathogenic for Hereditary cancer-predisposing syndrome. Last evaluated: 2019-12-11. Review status: criteria provided, single submitter. Criteria: Ambry Variant Classification Scheme 2023. Collection method: clinical testing. Allele origin: germline.
Comment: The c.2197delA pathogenic mutation, located in coding exon 4 of the MSH6 gene, results from a deletion of one nucleotide at nucleotide position 2197, causing a translational frameshift with a predicted alternate stop codon (p.M733Wfs*3). This alteration is expected to result in loss of function by premature protein truncation or nonsense-mediated mRNA decay. As such, this alteration is interpreted as a disease-causing mutation.